The following is an entry in ClinVar:

NM_012431.3(SEMA3E):c.2219A>G (p.Lys740Arg)

Gene: SEMA3E (semaphorin 3E; minus strand). Cytogenetic location: 7q21.11.
Variant type: single nucleotide variant.
Coding change: c.2219A>G on transcript NM_012431.3 (MANE Select); coding-DNA position 2219, A replaced by G.
Protein change: p.Lys740Arg; replaces lysine 740 with arginine.
Molecular consequence: missense variant.
Genome position (GRCh38, 1-based): chr7:83,367,695, T>C on the plus strand (A>G on the coding strand, the complement: SEMA3E is on the minus strand). VCF-style: chr7-83367695-T-C. GRCh37 (hg19) VCF-style: chr7-82997011-T-C.
Other names: c.2039A>G, p.Lys680Arg (NM_001178129.2); short protein forms K740R, K680R.
Identifiers: ClinVar variation 4988217 (VCV004988217.1).

ClinVar aggregate classification (germline): Uncertain significance (1 of 4 stars; one submission).

Conditions:
SEMA3E-related disorder. Also called: SEMA3E-related condition.

gnomAD v4.1: 1 of 1,614,096 alleles (0.000062%); highest among the groups gnomAD compares: South Asian, 0.0011%; no homozygotes.

Submission:

PreventionGenetics, part of Exact Sciences
Classification: Uncertain significance for SEMA3E-related condition. Last evaluated: 2024-12-02. Review status: criteria provided, single submitter. Criteria: ACMG Guidelines, 2015. Collection method: clinical testing. Allele origin: germline.
Comment: The SEMA3E c.2219A>G variant is predicted to result in the amino acid substitution p.Lys740Arg. To our knowledge, this variant has not been reported in the literature. This variant is reported in 0.0033% of alleles in individuals of South Asian descent in gnomAD. At this time, the clinical significance of this variant is uncertain due to the absence of conclusive functional and genetic evidence.